The following is an entry in ClinVar:

ClinVar aggregate classification (germline): Conflicting classifications of pathogenicity. Review status: criteria provided, conflicting classifications (1 of 4 stars). 5 submissions from 3 submitters: Uncertain significance (3); Likely benign (2). Last evaluated 2025-05-05.

Conditions:
Cardiovascular phenotype. Identifiers: MedGen CN230736.
Ehlers-Danlos syndrome, arthrochalasia type. Also called: ARTHROCHALASIS MULTIPLEX CONGENITA; EDS VII, MUTANT PROCOLLAGEN TYPE; EDS VIIA; Ehlers-Danlos syndrome, arthrochalasia type, 1; Ehlers-Danlos syndrome, arthrochalasis type. Identifiers: Orphanet 1899, Orphanet 99875, Orphanet 99876, MedGen C4551623, MONDO:0007525, OMIM 130060.
Osteogenesis imperfecta (OI). Identifiers: Orphanet 666, MedGen C0029434, MeSH D010013, MONDO:0019019.
Osteogenesis imperfecta type I (OI1). Also called: OI, TYPE I; OSTEOGENESIS IMPERFECTA TARDA; OSTEOGENESIS IMPERFECTA WITH BLUE SCLERAE; Osteogenesis imperfecta type 1; Lobstein's Disease; Lobstein disease. Identifiers: Orphanet 216796, Orphanet 666, MedGen C0023931, MONDO:0008146, OMIM 166200. Disease mechanism: loss of function.
Infantile cortical hyperostosis. Also called: Caffey Disease; Hyperostosis, Cortical, Congenital; P1PK BLOOD GROUP SYSTEM, P(2) PHENOTYPE. Identifiers: Orphanet 1310, MedGen C0020497, MONDO:0007244, OMIM 114000.

Allele frequency attached by ClinVar (database versions not stated): gnomAD 0.00001; gnomAD exomes 0.00001 and 0.00002; ExAC 0.00002; TOPMed 0.00002.
gnomAD v4.1: 9 of 1,614,068 alleles (0.00056%); highest among the groups gnomAD compares: Non-Finnish European, 0.00076%; no homozygotes.

Submissions (5):

Labcorp Genetics (formerly Invitae), Labcorp
Classification: Likely benign for Osteogenesis imperfecta type I. Last evaluated: 2025-05-05. Review status: criteria provided, single submitter. Criteria: Invitae Variant Classification Sherloc (09022015). Collection method: clinical testing. Allele origin: germline.

Ambry Genetics
Classification: Uncertain significance for Cardiovascular phenotype. Last evaluated: 2021-12-22. Review status: criteria provided, single submitter. Criteria: Ambry Variant Classification Scheme 2023. Collection method: clinical testing. Allele origin: germline.
Comment: The p.E1207K variant (also known as c.3619G>A), located in coding exon 48 of the COL1A1 gene, results from a G to A substitution at nucleotide position 3619. The glutamic acid at codon 1207 is replaced by lysine, an amino acid with similar properties. This amino acid position is well conserved in available vertebrate species. In addition, the in silico prediction for this alteration is inconclusive. Since supporting evidence is limited at this time, the clinical significance of this alteration remains unclear.

Illumina Laboratory Services, Illumina
Classification: Likely benign for Ehlers-Danlos syndrome, arthrochalasia type. Last evaluated: 2018-01-12. Review status: criteria provided, single submitter. Criteria: ICSL Variant Classification Criteria 13 December 2019. Collection method: clinical testing. Allele origin: germline.
Comment: This variant was observed in the ICSL laboratory as part of a predisposition screen in an ostensibly healthy population. It had not been previously curated by ICSL or reported in the Human Gene Mutation Database (HGMD: prior to June 1st, 2018), and was therefore a candidate for classification through an automated scoring system. Utilizing variant allele frequency, disease prevalence and penetrance estimates, and inheritance mode, an automated score was calculated to assess if this variant is too frequent to cause the disease. Based on the score and internal cut-off values, a variant classified as likely benign is not then subjected to further curation. The score for this variant resulted in a classification of likely benign for this disease.

Illumina Laboratory Services, Illumina
Classification: Uncertain significance for Osteogenesis imperfecta. Last evaluated: 2018-01-12. Review status: criteria provided, single submitter. Criteria: ICSL Variant Classification Criteria 13 December 2019. Collection method: clinical testing. Allele origin: germline.

Illumina Laboratory Services, Illumina
Classification: Uncertain significance for Infantile cortical hyperostosis. Last evaluated: 2018-01-12. Review status: criteria provided, single submitter. Criteria: ICSL Variant Classification Criteria 13 December 2019. Collection method: clinical testing. Allele origin: germline.

NM_000088.4(COL1A1):c.3619G>A (p.Glu1207Lys)

Gene: COL1A1 (collagen type I alpha 1 chain; minus strand). Cytogenetic location: 17q21.33.
Variant type: single nucleotide variant.
Coding change: c.3619G>A on transcript NM_000088.4 (MANE Select); coding-DNA position 3619, G replaced by A.
Protein change: p.Glu1207Lys; replaces glutamic acid 1207 with lysine.
Molecular consequence: missense variant.
Genome position (GRCh38, 1-based): chr17:50,186,835, C>T on the plus strand (G>A on the coding strand, the complement: COL1A1 is on the minus strand). VCF-style: chr17-50186835-C-T. GRCh37 (hg19) VCF-style: chr17-48264196-C-T.
Other names: short protein forms E1207K.
Identifiers: ClinVar variation 889393 (VCV000889393.9), dbSNP rs746671446, ClinGen allele CA8644388.